The following is an entry in ClinVar:

NM_000051.4(ATM):c.9168G>A (p.Val3056=)

Genes: ATM (ATM serine/threonine kinase; plus strand), C11orf65 (chromosome 11 open reading frame 65; minus strand). Cytogenetic location: 11q22.3.
Variant type: single nucleotide variant.
Coding change: c.9168G>A on transcript NM_000051.4 (MANE Select); coding-DNA position 9168, G replaced by A.
Protein change: p.Val3056=; no amino-acid change (valine 3056 retained).
Molecular consequence: synonymous variant. On other transcripts: intron variant (2).
Genome position (GRCh38, 1-based): chr11:108,365,505, G>A. VCF-style: chr11-108365505-G-A. GRCh37 (hg19) VCF-style: chr11-108236232-G-A.
Other names: c.9168G>A, p.Val3056= (NM_001351834.2); c.640+20415C>T (NM_001330368.2); c.694+20415C>T (NM_001351110.2).
Identifiers: ClinVar variation 823057 (VCV000823057.19), dbSNP rs1591388522, ClinGen allele CA476745336.

ClinVar aggregate classification (germline): Conflicting classifications of pathogenicity. Review status: criteria provided, conflicting classifications (1 of 4 stars). 7 submissions from 7 submitters: Uncertain significance (1); Benign (1); Likely benign (5). Last evaluated 2026-01-21.

Conditions:
Hereditary cancer-predisposing syndrome. Also called: Tumor predisposition; Neoplastic Syndromes, Hereditary; Hereditary Cancer Syndrome; Hereditary neoplastic syndrome. Identifiers: Orphanet 140162, MedGen C0027672, MeSH D009386, MONDO:0015356.
Familial cancer of breast. Also called: Hereditary breast cancer; BREAST CANCER, FAMILIAL; hereditary breast carcinoma. Identifiers: Orphanet 227535, MedGen C0346153, MONDO:0016419, OMIM 114480. Disease mechanism: loss of function.
Ataxia-telangiectasia syndrome (AT). Also called: ATAXIA-TELANGIECTASIA, COMPLEMENTATION GROUP A; ATAXIA-TELANGIECTASIA, FRESNO VARIANT; Ataxia-telangiectasia; Ataxia-telangiectasia, complementation group D; AT, COMPLEMENTATION GROUP C; Ataxia-telangiectasia, complementation group E. Identifiers: Orphanet 100, MedGen C0004135, MONDO:0008840, OMIM 208900.

Allele frequency attached by ClinVar (database versions not stated): gnomAD exomes below 0.00001.
gnomAD v4.1: 3 of 1,614,076 alleles (0.00019%); highest among the groups gnomAD compares: South Asian, 0.0011%; no homozygotes.

Submissions (7):

Labcorp Genetics (formerly Invitae), Labcorp
Classification: Likely benign for Ataxia-telangiectasia syndrome. Last evaluated: 2026-01-21. Review status: criteria provided, single submitter. Criteria: Invitae Variant Classification Sherloc (09022015). Collection method: clinical testing. Allele origin: germline.

Center for Genomic Medicine, Rigshospitalet, Copenhagen University Hospital
Classification: Likely benign. Last evaluated: 2025-03-04. Review status: criteria provided, single submitter. Criteria: ACMG Guidelines, 2015. Collection method: clinical testing. Allele origin: germline.

Myriad Genetics, Inc.
Classification: Benign for Familial cancer of breast. Last evaluated: 2024-06-25. Review status: criteria provided, single submitter. Criteria: Myriad Autosomal Dominant, Autosomal Recessive and X-Linked Classification Criteria (2023). Collection method: clinical testing. Allele origin: unknown.
Comment: This variant is considered benign. This variant is a silent/synonymous amino acid change and it is not expected to impact splicing.

Quest Diagnostics Nichols Institute San Juan Capistrano
Classification: Uncertain significance. Last evaluated: 2024-04-01. Review status: criteria provided, single submitter. Criteria: Quest Diagnostics criteria. Collection method: clinical testing. Allele origin: unknown.

Women's Health and Genetics/Laboratory Corporation of America, LabCorp
Classification: Likely benign. Last evaluated: 2022-09-16. Review status: criteria provided, single submitter. Criteria: LabCorp Variant Classification Summary - May 2015. Collection method: clinical testing. Allele origin: germline.

Ambry Genetics
Classification: Likely benign for Hereditary cancer-predisposing syndrome. Last evaluated: 2019-06-28. Review status: criteria provided, single submitter. Criteria: Ambry Variant Classification Scheme 2023. Collection method: clinical testing. Allele origin: germline.

Color Diagnostics, LLC DBA Color Health
Classification: Likely benign for Hereditary cancer-predisposing syndrome. Last evaluated: 2019-03-26. Review status: criteria provided, single submitter. Criteria: ACMG Guidelines, 2015. Collection method: clinical testing. Allele origin: germline.